The following is an entry in ClinVar:

ClinVar aggregate classification (germline): Benign. Review status: criteria provided, multiple submitters, no conflicts (2 of 4 stars). 2 submissions from 2 submitters: Benign (2). Last evaluated 2015-12-02.

Allele frequency attached by ClinVar (database versions not stated): 1000 Genomes Project 30x 0.60181; 1000 Genomes Project 0.60843; TOPMed 0.65069; gnomAD exomes 0.74127.
gnomAD v4.1: 172,234 of 247,806 alleles (70%); highest among the groups gnomAD compares: Non-Finnish European, 79%; 61,978 homozygotes.

Submissions (18):

GeneDx
Classification: Benign. Last evaluated: 2015-12-02. Review status: criteria provided, single submitter. Criteria: GeneDx Variant Classification (06012015). Collection method: clinical testing. Allele origin: germline. Affected: yes.
Comment: This variant is considered likely benign or benign based on one or more of the following criteria: it is a conservative change, it occurs at a poorly conserved position in the protein, it is predicted to be benign by multiple in silico algorithms, and/or has population frequency not consistent with disease.

Breakthrough Genomics
Classification: Benign. Review status: criteria provided, single submitter. Criteria: ACMG Guidelines, 2015. Collection method: not provided. Allele origin: germline. Inheritance: Autosomal recessive inheritance. Affected: yes.

Dr. Peter K. Rogan Lab, Western University
No classification provided (evidence only). Condition: Cervical cancer. Review status: no classification provided. Collection method: in vitro. Allele origin: not applicable. Functional consequence: retained intron. Not counted in ClinVar's aggregate classification.

Dr. Peter K. Rogan Lab, Western University
No classification provided (evidence only). Condition: Cervical cancer. Review status: no classification provided. Collection method: in vitro. Allele origin: not applicable. Functional consequence: retained intron. Not counted in ClinVar's aggregate classification.

Dr. Peter K. Rogan Lab, Western University
No classification provided (evidence only). Condition: Sarcoma. Review status: no classification provided. Collection method: in vitro. Allele origin: not applicable. Functional consequence: retained intron. Not counted in ClinVar's aggregate classification.

Dr. Peter K. Rogan Lab, Western University
No classification provided (evidence only). Condition: Sarcoma. Review status: no classification provided. Collection method: in vitro. Allele origin: not applicable. Functional consequence: cryptic splice site. Not counted in ClinVar's aggregate classification.

Dr. Peter K. Rogan Lab, Western University
No classification provided (evidence only). Condition: Sarcoma. Review status: no classification provided. Collection method: in vitro. Allele origin: not applicable. Functional consequence: retained intron. Not counted in ClinVar's aggregate classification.

Dr. Peter K. Rogan Lab, Western University
No classification provided (evidence only). Condition: Cholangiocarcinoma. Review status: no classification provided. Collection method: in vitro. Allele origin: not applicable. Functional consequence: retained intron. Not counted in ClinVar's aggregate classification.

Dr. Peter K. Rogan Lab, Western University
No classification provided (evidence only). Condition: Gastric cancer. Review status: no classification provided. Collection method: in vitro. Allele origin: not applicable. Functional consequence: retained intron. Not counted in ClinVar's aggregate classification.

Dr. Peter K. Rogan Lab, Western University
No classification provided (evidence only). Condition: Gastric cancer. Review status: no classification provided. Collection method: in vitro. Allele origin: not applicable. Functional consequence: retained intron. Not counted in ClinVar's aggregate classification.

Dr. Peter K. Rogan Lab, Western University
No classification provided (evidence only). Condition: Gastric cancer. Review status: no classification provided. Collection method: in vitro. Allele origin: not applicable. Functional consequence: retained intron. Not counted in ClinVar's aggregate classification.

Dr. Peter K. Rogan Lab, Western University
No classification provided (evidence only). Condition: Gastric cancer. Review status: no classification provided. Collection method: in vitro. Allele origin: not applicable. Functional consequence: retained intron. Not counted in ClinVar's aggregate classification.

Dr. Peter K. Rogan Lab, Western University
No classification provided (evidence only). Condition: Uterine carcinosarcoma. Review status: no classification provided. Collection method: in vitro. Allele origin: not applicable. Functional consequence: retained intron. Not counted in ClinVar's aggregate classification.

Dr. Peter K. Rogan Lab, Western University
No classification provided (evidence only). Condition: Uterine carcinosarcoma. Review status: no classification provided. Collection method: in vitro. Allele origin: not applicable. Functional consequence: retained intron. Not counted in ClinVar's aggregate classification.

Dr. Peter K. Rogan Lab, Western University
No classification provided (evidence only). Condition: Uterine carcinosarcoma. Review status: no classification provided. Collection method: in vitro. Allele origin: not applicable. Functional consequence: retained intron. Not counted in ClinVar's aggregate classification.

Dr. Peter K. Rogan Lab, Western University
No classification provided (evidence only). Condition: Uterine carcinosarcoma. Review status: no classification provided. Collection method: in vitro. Allele origin: not applicable. Functional consequence: retained intron. Not counted in ClinVar's aggregate classification.

Dr. Peter K. Rogan Lab, Western University
No classification provided (evidence only). Condition: Malignant tumor of esophagus. Review status: no classification provided. Collection method: in vitro. Allele origin: not applicable. Functional consequence: retained intron. Not counted in ClinVar's aggregate classification.

Dr. Peter K. Rogan Lab, Western University
No classification provided (evidence only). Condition: Malignant tumor of esophagus. Review status: no classification provided. Collection method: in vitro. Allele origin: not applicable. Functional consequence: retained intron. Not counted in ClinVar's aggregate classification.

NM_024678.6(NARS2):c.-342T>A

Gene: NARS2 (asparaginyl-tRNA synthetase 2, mitochondrial; minus strand). Cytogenetic location: 11q14.1.
Variant type: single nucleotide variant.
Coding change: c.-342T>A on transcript NM_024678.6 (MANE Select); 342 bases upstream of the start codon, T replaced by A.
Molecular consequence: 5 prime UTR variant.
Genome position (GRCh38, 1-based): chr11:78,574,830, A>T on the plus strand (T>A on the coding strand, the complement: NARS2 is on the minus strand). VCF-style: chr11-78574830-A-T. GRCh37 (hg19) VCF-style: chr11-78285875-A-T.
Other names: NC_000011.9:g.78285875A>T; c.-542T>A (NM_001243251.2).
Identifiers: ClinVar variation 379999 (VCV000379999.3), dbSNP rs10793337, ClinGen allele CA13465173.